The following is an entry in ClinVar:

NM_032977.4(CASP10):c.57C>A (p.Ser19Arg)

Gene: CASP10 (caspase 10; plus strand). Cytogenetic location: 2q33.1.
Variant type: single nucleotide variant.
Coding change: c.57C>A on transcript NM_032977.4 (MANE Select); coding-DNA position 57, C replaced by A.
Protein change: p.Ser19Arg; replaces serine 19 with arginine.
Molecular consequence: missense variant.
Genome position (GRCh38, 1-based): chr2:201,185,834, C>A. VCF-style: chr2-201185834-C-A. GRCh37 (hg19) VCF-style: chr2-202050557-C-A.
Other names: c.57C>A, p.Ser19Arg (NM_001206524.2, NM_001206542.2, NM_001230.5 and 3 more transcripts); short protein forms S19R.
Identifiers: ClinVar variation 3756285 (VCV003756285.2).

ClinVar aggregate classification (germline): Uncertain significance (1 of 4 stars; one submission).

Conditions:
Autoimmune lymphoproliferative syndrome type 2A (ALPS2A). Also called: CASP10-Related Autoimmune Lymphoproliferative Syndrome; AUTOIMMUNE LYMPHOPROLIFERATIVE SYNDROME, TYPE IIA; Autoimmune lymphoproliferative syndrome type 2. Identifiers: Orphanet 3261, MedGen C1858968, MONDO:0011383, OMIM 603909.

Submission:

Labcorp Genetics (formerly Invitae), Labcorp
Classification: Uncertain significance for Autoimmune lymphoproliferative syndrome type 2A. Last evaluated: 2024-05-10. Review status: criteria provided, single submitter. Criteria: Invitae Variant Classification Sherloc (09022015). Collection method: clinical testing. Allele origin: germline.
Comment: This sequence change replaces serine, which is neutral and polar, with arginine, which is basic and polar, at codon 19 of the CASP10 protein (p.Ser19Arg). This variant is not present in population databases (gnomAD no frequency). This variant has not been reported in the literature in individuals affected with CASP10-related conditions. Algorithms developed to predict the effect of missense changes on protein structure and function output the following: SIFT: "Not Available"; PolyPhen-2: "Benign"; Align-GVGD: "Not Available". The arginine amino acid residue is found in multiple mammalian species, which suggests that this missense change does not adversely affect protein function. In summary, the available evidence is currently insufficient to determine the role of this variant in disease. Therefore, it has been classified as a Variant of Uncertain Significance.